The following is an entry in ClinVar:

NM_032447.5(FBN3):c.6909G>T (p.Glu2303Asp)

Gene: FBN3 (fibrillin 3; minus strand). Cytogenetic location: 19p13.2.
Variant type: single nucleotide variant.
Coding change: c.6909G>T on transcript NM_032447.5 (MANE Select); coding-DNA position 6909, G replaced by T.
Protein change: p.Glu2303Asp; replaces glutamic acid 2303 with aspartic acid.
Molecular consequence: missense variant.
Genome position (GRCh38, 1-based): chr19:8,085,541, C>A on the plus strand (G>T on the coding strand, the complement: FBN3 is on the minus strand). VCF-style: chr19-8085541-C-A. GRCh37 (hg19) VCF-style: chr19-8150425-C-A.
Other names: c.6909G>T, p.Glu2303Asp (NM_001321431.2); short protein forms E2303D.
Identifiers: ClinVar variation 3643868 (VCV003643868.2).

ClinVar aggregate classification (germline): Uncertain significance (1 of 4 stars; one submission).

Submission:

Labcorp Genetics (formerly Invitae), Labcorp
Classification: Uncertain significance. Last evaluated: 2024-03-09. Review status: criteria provided, single submitter. Criteria: Invitae Variant Classification Sherloc (09022015). Collection method: clinical testing. Allele origin: germline.
Comment: This sequence change replaces glutamic acid, which is acidic and polar, with aspartic acid, which is acidic and polar, at codon 2303 of the FBN3 protein (p.Glu2303Asp). This variant is not present in population databases (gnomAD no frequency). This variant has not been reported in the literature in individuals affected with FBN3-related conditions. Advanced modeling of protein sequence and biophysical properties (such as structural, functional, and spatial information, amino acid conservation, physicochemical variation, residue mobility, and thermodynamic stability) performed at Invitae indicates that this missense variant is expected to disrupt FBN3 protein function with a positive predictive value of 80%. In summary, the available evidence is currently insufficient to determine the role of this variant in disease. Therefore, it has been classified as a Variant of Uncertain Significance.